The following is an entry in ClinVar:

NM_032194.3(RPF2):c.21A>G (p.Val7=)

Gene: RPF2 (ribosome production factor 2 homolog; plus strand). Cytogenetic location: 6q21.
Variant type: single nucleotide variant.
Coding change: c.21A>G on transcript NM_032194.3 (MANE Select); coding-DNA position 21, A replaced by G.
Protein change: p.Val7=; no amino-acid change (valine 7 retained).
Molecular consequence: synonymous variant. On other transcripts: 5 prime UTR variant (1).
Genome position (GRCh38, 1-based): chr6:110,982,127, A>G. VCF-style: chr6-110982127-A-G. GRCh37 (hg19) VCF-style: chr6-111303330-A-G.
Other names: c.-131A>G (NM_001289111.2).
Identifiers: ClinVar variation 3778421 (VCV003778421.7).

ClinVar aggregate classification (germline): Likely benign (1 of 4 stars; one submission).

gnomAD v4.1: 2 of 1,614,166 alleles (0.00012%); highest among the groups gnomAD compares: Admixed American, 0.0017%; no homozygotes.

Submission:

CeGaT Center for Human Genetics Tuebingen
Classification: Likely benign. Last evaluated: 2025-03-01. Review status: criteria provided, single submitter. Criteria: CeGaT Center For Human Genetics Tuebingen Variant Classification Criteria Version 2. Collection method: clinical testing. Allele origin: germline. Affected: yes. Observed: 1 variant allele.
Comment: RPF2: BP4, BP7